The following is an entry in ClinVar:

ClinVar aggregate classification (germline): Uncertain significance (1 of 4 stars; one submission).

Conditions:
Congenital factor V deficiency. Also called: LABILE FACTOR DEFICIENCY; OWREN PARAHEMOPHILIA; PARAHEMOPHILIA; Hereditary factor V deficiency disease. Identifiers: Orphanet 326, MedGen C0015499, MONDO:0009210, OMIM 227400.

Allele frequency attached by ClinVar (database versions not stated): TOPMed below 0.00001; gnomAD 0.00001; gnomAD exomes 0.00001; ESP Exome Variant Server 0.00008.
gnomAD v4.1: 13 of 1,614,020 alleles (0.00081%); highest among the groups gnomAD compares: African/African-American, 0.0013%; no homozygotes.

Submission:

Labcorp Genetics (formerly Invitae), Labcorp
Classification: Uncertain significance for Congenital factor V deficiency. Last evaluated: 2023-09-23. Review status: criteria provided, single submitter. Criteria: Invitae Variant Classification Sherloc (09022015). Collection method: clinical testing. Allele origin: germline.
Comment: This variant has not been reported in the literature in individuals affected with F5-related conditions. This variant is present in population databases (rs141622672, gnomAD 0.0009%). This sequence change replaces isoleucine, which is neutral and non-polar, with threonine, which is neutral and polar, at codon 324 of the F5 protein (p.Ile324Thr). In summary, the available evidence is currently insufficient to determine the role of this variant in disease. Therefore, it has been classified as a Variant of Uncertain Significance. Advanced modeling of protein sequence and biophysical properties (such as structural, functional, and spatial information, amino acid conservation, physicochemical variation, residue mobility, and thermodynamic stability) performed at Invitae indicates that this missense variant is expected to disrupt F5 protein function.

NM_000130.5(F5):c.971T>C (p.Ile324Thr)

Gene: F5 (coagulation factor V; minus strand). Cytogenetic location: 1q24.2.
Variant type: single nucleotide variant.
Coding change: c.971T>C on transcript NM_000130.5 (MANE Select); coding-DNA position 971, T replaced by C.
Protein change: p.Ile324Thr; replaces isoleucine 324 with threonine.
Molecular consequence: missense variant.
Genome position (GRCh38, 1-based): chr1:169,555,329, A>G on the plus strand (T>C on the coding strand, the complement: F5 is on the minus strand). VCF-style: chr1-169555329-A-G. GRCh37 (hg19) VCF-style: chr1-169524567-A-G.
Other names: short protein forms I324T.
Identifiers: ClinVar variation 2903976 (VCV002903976.3), dbSNP rs141622672, ClinGen allele CA32390668.